The following is an entry in ClinVar:

NM_000245.4(MET):c.3739G>A (p.Val1247Met)

Gene: MET (MET proto-oncogene, receptor tyrosine kinase; plus strand). Cytogenetic location: 7q31.2.
Variant type: single nucleotide variant.
Coding change: c.3739G>A on transcript NM_000245.4 (MANE Select); coding-DNA position 3739, G replaced by A.
Protein change: p.Val1247Met; replaces valine 1247 with methionine.
Molecular consequence: missense variant.
Genome position (GRCh38, 1-based): chr7:116,783,410, G>A. VCF-style: chr7-116783410-G-A. GRCh37 (hg19) VCF-style: chr7-116423464-G-A.
Other names: c.3793G>A (LRG_662t1); c.3793G>A, p.Val1265Met (NM_001127500.3); c.2449G>A, p.Val817Met (NM_001324402.2); short protein forms V1265M, V817M, V1247M.
Identifiers: ClinVar variation 582413 (VCV000582413.10), dbSNP rs1562935903, ClinGen allele CA368991831.

ClinVar aggregate classification (germline): Uncertain significance (1 of 4 stars; one submission).

Conditions:
Renal cell carcinoma. Identifiers: Orphanet 217071, MedGen C0007134, MeSH D002292, MONDO:0005086, HP:0005584.

Allele frequency attached by ClinVar (database versions not stated): gnomAD exomes below 0.00001.
gnomAD v4.1: 1 of 1,614,180 alleles (0.000062%); highest among the groups gnomAD compares: Non-Finnish European, 0.000085%; no homozygotes.

Submission:

Labcorp Genetics (formerly Invitae), Labcorp
Classification: Uncertain significance for Renal cell carcinoma. Last evaluated: 2018-05-16. Review status: criteria provided, single submitter. Criteria: Invitae Variant Classification Sherloc (09022015). Collection method: clinical testing. Allele origin: germline.
Comment: In summary, the available evidence is currently insufficient to determine the role of this variant in disease. Therefore, it has been classified as a Variant of Uncertain Significance. Algorithms developed to predict the effect of missense changes on protein structure and function are either unavailable or do not agree on the potential impact of this missense change (SIFT: "Deleterious"; PolyPhen-2: "Probably Damaging"; Align-GVGD: "Class C0"). This variant has not been reported in the literature in individuals with MET-related disease. This variant is not present in population databases (ExAC no frequency). This sequence change replaces valine with methionine at codon 1265 of the MET protein (p.Val1265Met). The valine residue is highly conserved and there is a small physicochemical difference between valine and methionine.